The following is an entry in ClinVar:

ClinVar aggregate classification (germline): Pathogenic (1 of 4 stars; one submission).

Submission:

Labcorp Genetics (formerly Invitae), Labcorp
Classification: Pathogenic. Last evaluated: 2025-07-24. Review status: criteria provided, single submitter. Criteria: Invitae Variant Classification Sherloc (09022015). Collection method: clinical testing. Allele origin: germline.
Comment: This sequence change affects the initiator codon of the C2CD3 mRNA. This change may impact translation initiation or efficiency. The next in-frame methionine is located at codon 110. The frequency data for this variant in the population databases is considered unreliable, as metrics indicate poor data quality at this position in the gnomAD database. This variant has not been reported in the literature in individuals affected with C2CD3-related conditions. ClinVar contains an entry for this variant (Variation ID: 3622785). This variant disrupts a region of the C2CD3 protein in which other variant(s) (p.Trp65Cys) have been determined to be pathogenic (PMID: 27094867). This suggests that this is a clinically significant region of the protein, and that variants that disrupt it are likely to be disease-causing. For these reasons, this variant has been classified as Pathogenic.

Literature cited by the submitters: PubMed 27094867.

NM_001286577.2(C2CD3):c.3G>T (p.Met1Ile)

Gene: C2CD3 (C2 domain containing 3 centriole elongation regulator; minus strand). Cytogenetic location: 11q13.4.
Variant type: single nucleotide variant.
Coding change: c.3G>T on transcript NM_001286577.2 (MANE Select); coding-DNA position 3, G replaced by T.
Protein change: p.Met1Ile; changes the start codon (methionine 1).
Molecular consequence: missense variant, initiator codon variant.
Genome position (GRCh38, 1-based): chr11:74,170,790, C>A on the plus strand (G>T on the coding strand, the complement: C2CD3 is on the minus strand). VCF-style: chr11-74170790-C-A. GRCh37 (hg19) VCF-style: chr11-73881835-C-A.
Other names: c.3G>T, p.Met1Ile (NM_015531.6); short protein forms M1I.
Identifiers: ClinVar variation 3622785 (VCV003622785.2).